The following is an entry in ClinVar:

ClinVar aggregate classification (germline): Likely pathogenic. Review status: criteria provided, single submitter (1 of 4 stars). 3 submissions from 3 submitters: Likely pathogenic (1). 2 of the submissions do not count toward it. Last evaluated 2019-07-28.

Conditions:
Developmental and epileptic encephalopathy, 76. Also called: EPILEPTIC ENCEPHALOPATHY, EARLY INFANTILE, 76; DEVELOPMENTAL DELAY, EPILEPTIC ENCEPHALOPATHY, CEREBRAL ATROPHY, AND ABNORMAL MYELINATION. Identifiers: MedGen C5193113, MONDO:0032768, OMIM 618468.
ACTL6B-related recessive epilepsy.

Allele frequency attached by ClinVar (database versions not stated): gnomAD exomes below 0.00001.
gnomAD v4.1: 1 of 1,611,958 alleles (0.000062%); highest among the groups gnomAD compares: Non-Finnish European, 0.000085%; no homozygotes.

Submissions (3):

SIB Swiss Institute of Bioinformatics
Classification: Likely pathogenic for Developmental and epileptic encephalopathy, 76. Last evaluated: 2019-07-28. Review status: criteria provided, single submitter. Criteria: ACMG Guidelines, 2015. Collection method: curation. Allele origin: unknown.
Comment: This variant is interpreted as a Likely pathogenic for Epileptic encephalopathy, early infantile, 76, autosomal recessive. The following ACMG Tag(s) were applied: PM2, PVS1-Strong, PS3-Moderate.

OMIM
Classification: Pathogenic for EPILEPTIC ENCEPHALOPATHY, EARLY INFANTILE, 76. Last evaluated: 2020-11-25. Review status: no assertion criteria provided. Collection method: literature only. Allele origin: germline. Not counted in ClinVar's aggregate classification.

CHU Sainte-Justine Research Center, University of Montreal
Classification: Likely pathogenic for ACTL6B-related recessive epilepsy. Last evaluated: 2019-03-01. Review status: no assertion criteria provided. Collection method: research. Allele origin: germline. Affected: yes. Not counted in ClinVar's aggregate classification.

Literature cited by the submitters: PubMed 31031012 (cited by SIB Swiss Institute of Bioinformatics and OMIM).

NM_016188.5(ACTL6B):c.724C>T (p.Gln242Ter)

Gene: ACTL6B (actin like 6B; minus strand). Cytogenetic location: 7q22.1.
Variant type: single nucleotide variant.
Coding change: c.724C>T on transcript NM_016188.5 (MANE Select); coding-DNA position 724, C replaced by T.
Protein change: p.Gln242Ter; replaces glutamine 242 with a stop codon.
Molecular consequence: nonsense. On other transcripts: non-coding transcript variant (1).
Genome position (GRCh38, 1-based): chr7:100,647,479, G>A on the plus strand (C>T on the coding strand, the complement: ACTL6B is on the minus strand). VCF-style: chr7-100647479-G-A. GRCh37 (hg19) VCF-style: chr7-100245102-G-A.
Other names: short protein forms Q242*.
Identifiers: ClinVar variation 635104 (VCV000635104.5), dbSNP rs1562848568, ClinGen allele CA368544265.